The following is an entry in ClinVar:

NM_000017.4(ACADS):c.989_990delinsAT (p.Arg330His)

Gene: ACADS (acyl-CoA dehydrogenase short chain; plus strand). Cytogenetic location: 12q24.31.
Variant type: Indel.
Coding change: c.989_990delinsAT on transcript NM_000017.4 (MANE Select); coding-DNA positions 989 to 990, GC replaced by AT.
Protein change: p.Arg330His; replaces arginine 330 with histidine.
Molecular consequence: missense variant.
Genome position (GRCh38, 1-based): chr12:120,738,875-120,738,876, GC replaced by AT. VCF-style: chr12-120738875-GC-AT. GRCh37 (hg19) VCF-style: chr12-121176678-GC-AT.
Other names: c.977_978delinsAT, p.Arg326His (NM_001302554.2); short protein forms R326H, R330H.
Identifiers: ClinVar variation 431801 (VCV000431801.10), dbSNP rs1555244280, ClinGen allele CA645372922.

ClinVar aggregate classification (germline): Pathogenic/Likely pathogenic. Review status: criteria provided, multiple submitters, no conflicts (2 of 4 stars). 3 submissions from 3 submitters: Pathogenic (1); Likely pathogenic (1). 1 of the submissions does not count toward it. Last evaluated 2024-10-12.

Conditions:
Deficiency of butyryl-CoA dehydrogenase (ACADSD). Also called: Short-Chain Acyl-CoA Dehydrogenase Deficiency; ACYL-CoA DEHYDROGENASE, SHORT-CHAIN, DEFICIENCY OF; ACADS DEFICIENCY; SCADH DEFICIENCY; SCAD DEFICIENCY, MILD; SCAD Deficiency. Identifiers: Orphanet 26792, MedGen C0342783, MONDO:0008722, OMIM 201470. Disease mechanism: May be benign.

Submissions (3):

Labcorp Genetics (formerly Invitae), Labcorp
Classification: Pathogenic for Deficiency of butyryl-CoA dehydrogenase. Last evaluated: 2024-10-12. Review status: criteria provided, single submitter. Criteria: Invitae Variant Classification Sherloc (09022015). Collection method: clinical testing. Allele origin: germline.
Comment: This sequence change replaces arginine, which is basic and polar, with histidine, which is basic and polar, at codon 330 of the ACADS protein (p.Arg330His). This variant is present in population databases (no rsID available, gnomAD 0.003%). A different variant (c.989G>A) giving rise to the same protein effect has been determined to be pathogenic (PMID: 16926354, 26274329; internal data). This suggests that this variant is also likely to be causative of disease. ClinVar contains an entry for this variant (Variation ID: 431801). An algorithm developed to predict the effect of missense changes on protein structure and function (PolyPhen-2) suggests that this variant is likely to be disruptive. This variant disrupts the p.Arg330 amino acid residue in ACADS. Other variant(s) that disrupt this residue have been determined to be pathogenic (PMID: 16926354, 18676165; internal data). This suggests that this residue is clinically significant, and that variants that disrupt this residue are likely to be disease-causing. For these reasons, this variant has been classified as Pathogenic.

GeneDx
Classification: Likely pathogenic. Last evaluated: 2016-04-13. Review status: criteria provided, single submitter. Criteria: GeneDx Variant Classification (06012015). Collection method: clinical testing. Allele origin: germline. Affected: yes.
Comment: The c.989_990delGCinsAT variant has not been published as a pathogenic variant, nor has it been reported as a benign variant to our knowledge. The c.989_990delGCinsAT variant is not observed in large population cohorts (Lek et al., 2016). The c.989_990delGCinsAT variant causes the replacement of the normal Arginine at codon 330 with a Histidine, denoted p.Arg330His (R330H). The R330H variant is a conservative amino acid substitution, which is not likely to impact secondary protein structure as these residues share similar properties. In-silico analyses, including protein predictors and evolutionary conservation, support a deleterious effect. A R330H missense change caused by a different nucleotide change (c.989 G>A) and a different missense change at codon 330 (R330C) have both been reported in patients with SCAD deficiency (van Maldegem et al. 2006). An R330H missense change caused by a different nucleotide change (c.989 G>A) and a different missense change at codon 330 (R330C) have both been reported in patients with SCAD deficiency (van Maldegem et al. 2006). In summary, the c.989_990delGCinsAT variant is likely pathogenic; however, the possibility that it is benign cannot be excluded.

Counsyl
Classification: Uncertain significance for Deficiency of butyryl-CoA dehydrogenase. Last evaluated: 2018-03-23. Review status: no assertion criteria provided. Collection method: clinical testing. Allele origin: unknown. Not counted in ClinVar's aggregate classification.

Literature cited by the submitters: PubMed 16926354 (cited by Labcorp Genetics (formerly Invitae), Labcorp); PubMed 26274329 (cited by Labcorp Genetics (formerly Invitae), Labcorp); PubMed 18676165 (cited by Labcorp Genetics (formerly Invitae), Labcorp).